The following is an entry in ClinVar:

NM_001364905.1(LRBA):c.5069C>T (p.Ala1690Val)

Gene: LRBA (LPS responsive beige-like anchor protein; minus strand). Cytogenetic location: 4q31.3.
Variant type: single nucleotide variant.
Coding change: c.5069C>T on transcript NM_001364905.1 (MANE Select); coding-DNA position 5069, C replaced by T.
Protein change: p.Ala1690Val; replaces alanine 1690 with valine.
Molecular consequence: missense variant.
Genome position (GRCh38, 1-based): chr4:150,828,282, G>A on the plus strand (C>T on the coding strand, the complement: LRBA is on the minus strand). VCF-style: chr4-150828282-G-A. GRCh37 (hg19) VCF-style: chr4-151749434-G-A.
Other names: c.5069C>T, p.Ala1690Val (NM_001199282.3, NM_001367550.1, NM_006726.5); short protein forms A1690V.
Identifiers: ClinVar variation 2655122 (VCV002655122.24), dbSNP rs1226778834, ClinGen allele CA358443655.

ClinVar aggregate classification (germline): Uncertain significance (1 of 4 stars; one submission).

Allele frequency attached by ClinVar (database versions not stated): gnomAD exomes below 0.00001.
gnomAD v4.1: 1 of 1,614,146 alleles (0.000062%); highest among the groups gnomAD compares: South Asian, 0.0011%; no homozygotes.

Submission:

CeGaT Center for Human Genetics Tuebingen
Classification: Uncertain significance. Last evaluated: 2022-05-01. Review status: criteria provided, single submitter. Criteria: CeGaT Center For Human Genetics Tuebingen Variant Classification Criteria Version 2. Collection method: clinical testing. Allele origin: germline. Affected: yes. Observed: 1 variant allele.
Comment: LRBA: PM2, BP4